The following is an entry in ClinVar:

NM_001365999.1(SZT2):c.6231del (p.Asn2078fs)

Gene: SZT2 (SZT2 subunit of KICSTOR complex; plus strand). Cytogenetic location: 1p34.2.
Variant type: Deletion.
Coding change: c.6231del on transcript NM_001365999.1 (MANE Select); coding-DNA position 6231, one base deleted (G; older notation c.6231delG).
Protein change: p.Asn2078fs; shifts the reading frame from asparagine 2078.
Molecular consequence: frameshift variant.
Genome position (GRCh38, 1-based): chr1:43,437,449, G deleted. VCF-style (leftmost placement, unchanged base first): chr1-43437448-TG-T. GRCh37 (hg19) VCF-style: chr1-43903119-TG-T.
Other names: c.6060del, p.Asn2021fs (NM_015284.4); short protein forms N2078fs, N2021fs.
Identifiers: ClinVar variation 1998266 (VCV001998266.4), dbSNP rs2545841178, ClinGen allele CA2580062810.
Genomic context (GRCh38, chr1:43,437,448, plus strand): 5'-CCCATGTTATTCCCCCAGCCATCCAGGCCCTGCGCTCTGTGCTCAATGCCTTCTCTGTGG[TG>T]AACCGGAAAAACATGTTTGTTTACCAGGAGCGAGCAACAAAGGCTGTGTACTATCTTCGG-3'

ClinVar aggregate classification (germline): Pathogenic (1 of 4 stars; one submission).

Submission:

Labcorp Genetics (formerly Invitae), Labcorp
Classification: Pathogenic. Last evaluated: 2022-05-24. Review status: criteria provided, single submitter. Criteria: Invitae Variant Classification Sherloc (09022015). Collection method: clinical testing. Allele origin: germline.
Comment: This variant has not been reported in the literature in individuals affected with SZT2-related conditions. This variant is not present in population databases (gnomAD no frequency). This sequence change creates a premature translational stop signal (p.Asn2021Thrfs*22) in the SZT2 gene. It is expected to result in an absent or disrupted protein product. Loss-of-function variants in SZT2 are known to be pathogenic (PMID: 23932106, 27248490, 28556953). Algorithms developed to predict the effect of sequence changes on RNA splicing suggest that this variant may create or strengthen a splice site. For these reasons, this variant has been classified as Pathogenic.

Literature cited by the submitters: PubMed 23932106; PubMed 27248490; PubMed 28556953.